The following is an entry in ClinVar:

NM_005901.6(SMAD2):c.1348G>A (p.Asp450Asn)

Gene: SMAD2 (SMAD family member 2; minus strand). Cytogenetic location: 18q21.1.
Variant type: single nucleotide variant.
Coding change: c.1348G>A on transcript NM_005901.6 (MANE Select); coding-DNA position 1348, G replaced by A.
Protein change: p.Asp450Asn; replaces aspartic acid 450 with asparagine.
Molecular consequence: missense variant.
Genome position (GRCh38, 1-based): chr18:47,841,883, C>T on the plus strand (G>A on the coding strand, the complement: SMAD2 is on the minus strand). VCF-style: chr18-47841883-C-T. GRCh37 (hg19) VCF-style: chr18-45368254-C-T.
Other names: c.1348G>A, p.Asp450Asn (NM_001003652.4); c.1258G>A, p.Asp420Asn (NM_001135937.3); short protein forms D450N, D420N.
Identifiers: ClinVar variation 1411218 (VCV001411218.8), dbSNP rs2144276481, ClinGen allele CA402502603.

ClinVar aggregate classification (germline): Uncertain significance (1 of 4 stars; one submission).

Submission:

Labcorp Genetics (formerly Invitae), Labcorp
Classification: Uncertain significance. Last evaluated: 2021-09-06. Review status: criteria provided, single submitter. Criteria: Invitae Variant Classification Sherloc (09022015). Collection method: clinical testing. Allele origin: germline.
Comment: Advanced modeling of protein sequence and biophysical properties (such as structural, functional, and spatial information, amino acid conservation, physicochemical variation, residue mobility, and thermodynamic stability) performed at Invitae indicates that this missense variant is expected to disrupt SMAD2 protein function. In summary, the available evidence is currently insufficient to determine the role of this variant in disease. Therefore, it has been classified as a Variant of Uncertain Significance. This variant has not been reported in the literature in individuals with SMAD2-related conditions. This variant is not present in population databases (ExAC no frequency). This sequence change replaces aspartic acid with asparagine at codon 450 of the SMAD2 protein (p.Asp450Asn). The aspartic acid residue is highly conserved and there is a small physicochemical difference between aspartic acid and asparagine.